The following is an entry in ClinVar:

ClinVar aggregate classification (germline): Uncertain significance. Review status: criteria provided, multiple submitters, no conflicts (2 of 4 stars). 2 submissions from 2 submitters: Uncertain significance (2). Last evaluated 2022-01-27.

Conditions:
Cataract 22 multiple types. Also called: CATARACT 22, MULTIPLE TYPES, AUTOSOMAL DOMINANT; Cataract 22; CATARACT 22, NUCLEAR, AUTOSOMAL RECESSIVE. Identifiers: Orphanet 91492, MedGen C1857853, MONDO:0012336, OMIM 609741.

Allele frequency attached by ClinVar (database versions not stated): gnomAD 0.00001.
gnomAD v4.1: 27 of 1,614,098 alleles (0.0017%); highest among the groups gnomAD compares: Non-Finnish European, 0.0023%; no homozygotes.

Submissions (2):

MGZ Medical Genetics Center
Classification: Uncertain significance for Cataract 22 multiple types. Last evaluated: 2022-01-27. Review status: criteria provided, single submitter. Criteria: ACMG Guidelines, 2015. Collection method: clinical testing. Allele origin: germline. Affected: yes. Observed: 1 variant allele.
Comment: ACMG criteria applied: PM2_SUP

CeGaT Center for Human Genetics Tuebingen
Classification: Uncertain significance. Last evaluated: 2018-06-01. Review status: criteria provided, single submitter. Criteria: CeGaT Center For Human Genetics Tuebingen Variant Classification Criteria Version 2. Collection method: clinical testing. Allele origin: germline. Affected: yes. Observed: 1 variant allele.

NM_004076.5(CRYBB3):c.116G>T (p.Cys39Phe)

Gene: CRYBB3 (crystallin beta B3; plus strand). Cytogenetic location: 22q11.23.
Variant type: single nucleotide variant.
Coding change: c.116G>T on transcript NM_004076.5 (MANE Select); coding-DNA position 116, G replaced by T.
Protein change: p.Cys39Phe; replaces cysteine 39 with phenylalanine.
Molecular consequence: missense variant.
Genome position (GRCh38, 1-based): chr22:25,202,714, G>T. VCF-style: chr22-25202714-G-T. GRCh37 (hg19) VCF-style: chr22-25598681-G-T.
Other names: short protein forms C39F.
Identifiers: ClinVar variation 623978 (VCV000623978.45), dbSNP rs1232309133, ClinGen allele CA410984010.